The following is an entry in ClinVar:

NM_002454.3(MTRR):c.1674dup (p.Arg559Ter)

Gene: MTRR (5-methyltetrahydrofolate-homocysteine methyltransferase reductase; plus strand). Cytogenetic location: 5p15.31.
Variant type: Duplication.
Coding change: c.1674dup on transcript NM_002454.3 (MANE Select); coding-DNA position 1674, one base duplicated (T; older notation c.1674dupT).
Protein change: p.Arg559Ter; replaces arginine 559 with a stop codon.
Molecular consequence: nonsense. On other transcripts: non-coding transcript variant (14).
Genome position (GRCh38, 1-based): chr5:7,895,850, T duplicated. VCF-style (leftmost placement, unchanged base first): chr5-7895849-A-AT. GRCh37 (hg19) VCF-style: chr5-7895962-A-AT.
Other names: c.1674dup, p.Arg559Ter (NM_001364440.2, NM_001364441.2, NM_001364442.2 and 1 more transcripts); c.1674dupT (NM_002454.3); short protein forms R559*.
Identifiers: ClinVar variation 3366758 (VCV003366758.2).
Genomic context (GRCh38, chr5:7,895,849, plus strand): 5'-TCCCCATCATAATGGTGGGTCCAGGAACCGGCATAGCCCCGTTTATTGGGTTCCTACAAC[A>AT]TAGGTATGTTCTTTTTTTGGCTAATGGGAAAATGTATTCCTGAGTAACCGTTTTTGTTTC-3'

ClinVar aggregate classification (germline): Pathogenic. Review status: criteria provided, multiple submitters, no conflicts (2 of 4 stars). 2 submissions from 2 submitters: Pathogenic (2). Last evaluated 2025-12-17.

Conditions:
Methylcobalamin deficiency type cblE (HMAE). Also called: VITAMIN B12-RESPONSIVE HOMOCYSTINURIA, cblE TYPE; HOMOCYSTINURIA-MEGALOBLASTIC ANEMIA, cblE COMPLEMENTATION TYPE; HOMOCYSTINURIA-MEGALOBLASTIC ANEMIA, cblE TYPE. Identifiers: Orphanet 2169, Orphanet 622, MedGen C1856057, MONDO:0009354, OMIM 236270.

Submissions (2):

Victorian Clinical Genetics Services, Murdoch Childrens Research Institute
Classification: Pathogenic for Methylcobalamin deficiency type cblE. Last evaluated: 2025-12-17. Review status: criteria provided, single submitter. Criteria: ACMG Guidelines, 2015. Collection method: clinical testing. Allele origin: germline. Affected: yes.
Comment: This variant is classified as Pathogenic. Evidence in support of pathogenic classification: Variant is predicted to cause nonsense-mediated decay (NMD) and loss of protein (premature termination codon is located at least 54 nucleotides upstream of the final exon-exon junction); Variant is absent from gnomAD (v2, v3 and v4); This variant has limited previous evidence of pathogenicity. This variant has been classified as pathogenic by one clinical laboratory in ClinVar; Other NMD-predicted variants comparable to the one identified in this case have very strong previous evidence for pathogenicity (DECIPHER). Additional information: This variant is heterozygous; This gene is associated with autosomal recessive disease; Loss of function is a known mechanism of disease in this gene and is associated with autosomal recessive homocystinuria-megaloblastic anaemia, cbl E type (MIM#236270); Variants in this gene are known to have variable expressivity (PMID: 25526710).

Women's Health and Genetics/Laboratory Corporation of America, LabCorp
Classification: Pathogenic for Methylcobalamin deficiency type cblE. Last evaluated: 2024-08-16. Review status: criteria provided, single submitter. Criteria: LabCorp Variant Classification Summary - May 2015. Collection method: clinical testing. Allele origin: germline.
Comment: Variant summary: MTRR c.1674dupT (p.Arg559X) results in a premature termination codon, predicted to cause a truncation of the encoded protein or absence of the protein due to nonsense mediated decay, which are commonly known mechanisms for disease. Consensus agreement among computation tools predict no significant impact on normal splicing. However, these predictions have yet to be confirmed by functional studies. The variant was absent in 251422 control chromosomes. To our knowledge, no occurrence of c.1674dupT in individuals affected with Homocystinuria-Megaloblastic Anemia, cbl E type and no experimental evidence demonstrating its impact on protein function have been reported. No submitters have cited clinical-significance assessments for this variant to ClinVar. Based on the evidence outlined above, the variant was classified as pathogenic.

Literature cited by the submitters: PubMed 25526710 (cited by Victorian Clinical Genetics Services, Murdoch Childrens Research Institute).